The following is an entry in ClinVar:

ClinVar aggregate classification (germline): Pathogenic (1 of 4 stars; one submission).

Conditions:
Hydrocephalus, nonsyndromic, autosomal recessive 1 (HYC1). Also called: Hydrocephalus, nonsyndromic, autosomal recessive; Congenital hydrocephalus 1. Identifiers: Orphanet 2185, MedGen C3887608, MONDO:0009360, OMIM 236600.

Submission:

Myriad Genetics, Inc.
Classification: Pathogenic for Hydrocephalus, nonsyndromic, autosomal recessive 1. Last evaluated: 2026-06-04. Review status: criteria provided, single submitter. Criteria: Myriad Autosomal Dominant, Autosomal Recessive and X-Linked Classification Criteria (2023). Collection method: clinical testing. Allele origin: unknown.
Comment: NM_001080414.3(CCDC88C):c.3019_3031del13ins3(C1007Rfs*46) is expected to be pathogenic in the context of congenital hydrocephalus, CCDC88C-related. This variant is predicted to lead to an abnormal or absent protein product due to the creation of a premature termination codon in CCDC88C, a gene where loss-of-function variants are known to be pathogenic. Please note: this variant was assessed in the context of healthy population screening.

NM_001080414.4(CCDC88C):c.3019_3031delinsAGG (p.Cys1007fs)

Gene: CCDC88C (coiled-coil and HOOK domain protein 88C; minus strand). Cytogenetic location: 14q32.11.
Variant type: Indel.
Coding change: c.3019_3031delinsAGG on transcript NM_001080414.4 (MANE Select); coding-DNA positions 3019 to 3031, TGTGAGACCCTCA replaced by AGG.
Protein change: p.Cys1007fs; shifts the reading frame from cysteine 1007.
Molecular consequence: frameshift variant. On other transcripts: non-coding transcript variant (2).
Genome position (GRCh38, 1-based): chr14:91,307,202-91,307,214, TGAGGGTCTCACA replaced by CCT on the plus strand (TGTGAGACCCTCA replaced by AGG on the coding strand, the reverse complement: CCDC88C is on the minus strand). VCF-style: chr14-91307202-TGAGGGTCTCACA-CCT. GRCh37 (hg19) VCF-style: chr14-91773546-TGAGGGTCTCACA-CCT.
Other names: short protein forms C1007fs.
Identifiers: ClinVar variation 5015992 (VCV005015992.1).